The following is an entry in ClinVar:

ClinVar aggregate classification (germline): Likely benign. Review status: criteria provided, multiple submitters, no conflicts (2 of 4 stars). 3 submissions from 3 submitters: Likely benign (3). Last evaluated 2024-10-23.

Conditions:
Norman-Roberts syndrome (LIS2). Also called: Lissencephaly 2 (Norman-Roberts type). Identifiers: Orphanet 89844, MedGen C0796089, MONDO:0009760, OMIM 257320.
Familial temporal lobe epilepsy 7. Identifiers: Orphanet 101046, MedGen C4225327, MONDO:0014639, OMIM 616436.

Submissions (3):

Labcorp Genetics (formerly Invitae), Labcorp
Classification: Likely benign for Familial temporal lobe epilepsy 7; Norman-Roberts syndrome. Last evaluated: 2024-10-23. Review status: criteria provided, single submitter. Criteria: Invitae Variant Classification Sherloc (09022015). Collection method: clinical testing. Allele origin: germline.

CeGaT Center for Human Genetics Tuebingen
Classification: Likely benign. Last evaluated: 2024-09-01. Review status: criteria provided, single submitter. Criteria: CeGaT Center For Human Genetics Tuebingen Variant Classification Criteria Version 2. Collection method: clinical testing. Allele origin: germline. Affected: yes. Observed: 1 variant allele.
Comment: RELN: PM2:Supporting, BP4, BP7

Blueprint Genetics
Classification: Likely benign. Last evaluated: 2020-03-10. Review status: criteria provided, single submitter. Criteria: ACMG Guidelines, 2015. Collection method: clinical testing. Allele origin: germline.

NM_005045.4(RELN):c.8421A>G (p.Pro2807=)

Genes: RELN (reelin; minus strand), SLC26A5-AS1 (SLC26A5 antisense RNA 1; plus strand). Cytogenetic location: 7q22.1.
Variant type: single nucleotide variant.
Coding change: c.8421A>G on transcript NM_005045.4 (MANE Select); coding-DNA position 8421, A replaced by G.
Protein change: p.Pro2807=; no amino-acid change (proline 2807 retained).
Molecular consequence: synonymous variant.
Genome position (GRCh38, 1-based): chr7:103,503,084, T>C on the plus strand (A>G on the coding strand, the complement: RELN is on the minus strand). VCF-style: chr7-103503084-T-C. GRCh37 (hg19) VCF-style: chr7-103143531-T-C.
Other names: c.8421A>G, p.Pro2807= (NM_173054.3).
Identifiers: ClinVar variation 2089909 (VCV002089909.19), dbSNP rs2484714936, ClinGen allele CA457024709.